The following is an entry in ClinVar:

ClinVar aggregate classification (germline): Uncertain significance (1 of 4 stars; one submission).

Conditions:
Bethlem myopathy 1A. Also called: MYOPATHY, BENIGN CONGENITAL, WITH CONTRACTURES; Bethlem myopathy 1; Bethlem Muscular Dystrophy. Identifiers: Orphanet 610, MedGen CN029274, MONDO:0024530, OMIM 158810.

Submission:

Labcorp Genetics (formerly Invitae), Labcorp
Classification: Uncertain significance for Bethlem myopathy 1A. Last evaluated: 2025-10-22. Review status: criteria provided, single submitter. Criteria: Invitae Variant Classification Sherloc (09022015). Collection method: clinical testing. Allele origin: germline.
Comment: This sequence change replaces glutamic acid, which is acidic and polar, with alanine, which is neutral and non-polar, at codon 929 of the COL6A1 protein (p.Glu929Ala). This variant is not present in population databases (gnomAD no frequency). This variant has not been reported in the literature in individuals affected with COL6A1-related conditions. ClinVar contains an entry for this variant (Variation ID: 2097145). Invitae Evidence Modeling of protein sequence and biophysical properties (such as structural, functional, and spatial information, amino acid conservation, physicochemical variation, residue mobility, and thermodynamic stability) indicates that this missense variant is not expected to disrupt COL6A1 protein function with a negative predictive value of 95%. In summary, the available evidence is currently insufficient to determine the role of this variant in disease. Therefore, it has been classified as a Variant of Uncertain Significance.

NM_001848.3(COL6A1):c.2786A>C (p.Glu929Ala)

Gene: COL6A1 (collagen type VI alpha 1 chain; plus strand). Cytogenetic location: 21q22.3.
Variant type: single nucleotide variant.
Coding change: c.2786A>C on transcript NM_001848.3 (MANE Select); coding-DNA position 2786, A replaced by C.
Protein change: p.Glu929Ala; replaces glutamic acid 929 with alanine.
Molecular consequence: missense variant.
Genome position (GRCh38, 1-based): chr21:46,003,712, A>C. VCF-style: chr21-46003712-A-C. GRCh37 (hg19) VCF-style: chr21-47423626-A-C.
Other names: short protein forms E929A.
Identifiers: ClinVar variation 2097145 (VCV002097145.4), dbSNP rs2526354963, ClinGen allele CA410541102.